The following is an entry in ClinVar:

NM_014679.5(CEP57):c.824A>G (p.Tyr275Cys)

Gene: CEP57 (centrosomal protein 57; plus strand). Cytogenetic location: 11q21.
Variant type: single nucleotide variant.
Coding change: c.824A>G on transcript NM_014679.5 (MANE Select); coding-DNA position 824, A replaced by G.
Protein change: p.Tyr275Cys; replaces tyrosine 275 with cysteine.
Molecular consequence: missense variant. On other transcripts: intron variant (1).
Genome position (GRCh38, 1-based): chr11:95,822,515, A>G. VCF-style: chr11-95822515-A-G. GRCh37 (hg19) VCF-style: chr11-95555679-A-G.
Other names: c.797A>G, p.Tyr266Cys (NM_001243776.2); c.743A>G, p.Tyr248Cys (NM_001363604.2); c.807+537A>G (NM_001243777.2); short protein forms Y266C, Y248C, Y275C.
Identifiers: ClinVar variation 957769 (VCV000957769.11), dbSNP rs759400733, ClinGen allele CA6239617.

ClinVar aggregate classification (germline): Uncertain significance. Review status: criteria provided, multiple submitters, no conflicts (2 of 4 stars). 2 submissions from 2 submitters: Uncertain significance (2). Last evaluated 2025-06-23.

Conditions:
Inborn genetic diseases. Identifiers: MedGen C0950123, MeSH D030342.
Mosaic variegated aneuploidy syndrome 2 (MVA2). Identifiers: Orphanet 1052, MedGen C3279843, MONDO:0013582, OMIM 614114.

Allele frequency attached by ClinVar (database versions not stated): ExAC 0.00001; gnomAD exomes 0.00001; TOPMed 0.00002.
gnomAD v4.1: 11 of 1,613,406 alleles (0.00068%); highest among the groups gnomAD compares: Admixed American, 0.005%; no homozygotes.

Submissions (2):

Ambry Genetics
Classification: Uncertain significance for Inborn genetic diseases. Last evaluated: 2025-06-23. Review status: criteria provided, single submitter. Criteria: Ambry Variant Classification Scheme 2023. Collection method: clinical testing. Allele origin: germline.

Labcorp Genetics (formerly Invitae), Labcorp
Classification: Uncertain significance for Mosaic variegated aneuploidy syndrome 2. Last evaluated: 2019-09-15. Review status: criteria provided, single submitter. Criteria: Invitae Variant Classification Sherloc (09022015). Collection method: clinical testing. Allele origin: germline.
Comment: In summary, the available evidence is currently insufficient to determine the role of this variant in disease. Therefore, it has been classified as a Variant of Uncertain Significance. Algorithms developed to predict the effect of missense changes on protein structure and function output the following: SIFT: "Tolerated"; PolyPhen-2: "Benign"; Align-GVGD: "Class C0". The cysteine amino acid residue is found in multiple mammalian species, suggesting that this missense change does not adversely affect protein function. These predictions have not been confirmed by published functional studies and their clinical significance is uncertain. This variant has not been reported in the literature in individuals with CEP57-related conditions. This variant is present in population databases (rs759400733, ExAC 0.009%). This sequence change replaces tyrosine with cysteine at codon 275 of the CEP57 protein (p.Tyr275Cys). The tyrosine residue is moderately conserved and there is a large physicochemical difference between tyrosine and cysteine.